The following is an entry in ClinVar:

ClinVar aggregate classification (germline): Uncertain significance (1 of 4 stars; one submission).

Submission:

ARUP Laboratories, Molecular Genetics and Genomics, ARUP Laboratories
Classification: Uncertain significance. Last evaluated: 2023-10-27. Review status: criteria provided, single submitter. Criteria: ARUP Molecular Germline Variant Investigation Process 2024. Collection method: clinical testing. Allele origin: germline.
Comment: The MEFV c.1588-3T>A variant, to our knowledge, is not reported in the medical literature or gene specific databases. This variant is also absent from the Genome Aggregation Database, indicating it is not a common polymorphism. This is an intronic variant in a weakly conserved nucleotide, but computational analyses (Alamut Visual Plus v.1.5.1) predict that this variant may impact splicing by weakening the nearby canonical acceptor splice site. Due to limited information, the clinical significance of this variant is uncertain at this time.

NM_000243.3(MEFV):c.1588-3T>A

Gene: MEFV (MEFV innate immunity regulator, pyrin; minus strand). Cytogenetic location: 16p13.3.
Variant type: single nucleotide variant.
Coding change: c.1588-3T>A on transcript NM_000243.3 (MANE Select); 3 bases into the intron before coding-DNA position 1588, T replaced by A.
Molecular consequence: intron variant.
Genome position (GRCh38, 1-based): chr16:3,246,550, A>T on the plus strand (T>A on the coding strand, the complement: MEFV is on the minus strand). VCF-style: chr16-3246550-A-T. GRCh37 (hg19) VCF-style: chr16-3296550-A-T.
Other names: c.955-3T>A (NM_001198536.2).
Identifiers: ClinVar variation 2921243 (VCV002921243.1), dbSNP rs766597979, ClinGen allele CA2739269944.